The following is an entry in ClinVar:

ClinVar aggregate classification (germline): Uncertain significance (1 of 4 stars; one submission).

Conditions:
Neurofibromatosis, type 1 (NF1). Also called: Peripheral type neurofibromatosis; VON RECKLINGHAUSEN DISEASE; NEUROFIBROMATOSIS, TYPE I, SOMATIC; Neurofibromatosis, type I. Identifiers: Orphanet 636, MedGen C0027831, MONDO:0018975, OMIM 162200. Disease mechanism: loss of function.

Submission:

Labcorp Genetics (formerly Invitae), Labcorp
Classification: Uncertain significance for Neurofibromatosis, type 1. Last evaluated: 2023-12-20. Review status: criteria provided, single submitter. Criteria: Invitae Variant Classification Sherloc (09022015). Collection method: clinical testing. Allele origin: germline.
Comment: This sequence change replaces leucine, which is neutral and non-polar, with serine, which is neutral and polar, at codon 298 of the NF1 protein (p.Leu298Ser). This variant is not present in population databases (gnomAD no frequency). This variant has not been reported in the literature in individuals affected with NF1-related conditions. Advanced modeling of protein sequence and biophysical properties (such as structural, functional, and spatial information, amino acid conservation, physicochemical variation, residue mobility, and thermodynamic stability) performed at Invitae indicates that this missense variant is not expected to disrupt NF1 protein function with a negative predictive value of 95%. In summary, the available evidence is currently insufficient to determine the role of this variant in disease. Therefore, it has been classified as a Variant of Uncertain Significance.

NM_001042492.3(NF1):c.893T>C (p.Leu298Ser)

Gene: NF1 (neurofibromin 1; plus strand). Cytogenetic location: 17q11.2.
Variant type: single nucleotide variant.
Coding change: c.893T>C on transcript NM_001042492.3 (MANE Select); coding-DNA position 893, T replaced by C.
Protein change: p.Leu298Ser; replaces leucine 298 with serine.
Molecular consequence: missense variant.
Genome position (GRCh38, 1-based): chr17:31,200,426, T>C. VCF-style: chr17-31200426-T-C. GRCh37 (hg19) VCF-style: chr17-29527444-T-C.
Other names: c.893T>C, p.Leu298Ser (NM_000267.4, NM_001128147.3); short protein forms L298S.
Identifiers: ClinVar variation 2704436 (VCV002704436.3), dbSNP rs2544793246, ClinGen allele CA398995499.